The following is an entry in ClinVar:

NM_021098.3(CACNA1H):c.1269G>A (p.Ser423=)

Gene: CACNA1H (calcium voltage-gated channel subunit alpha1 H; plus strand). Cytogenetic location: 16p13.3.
Variant type: single nucleotide variant.
Coding change: c.1269G>A on transcript NM_021098.3 (MANE Select); coding-DNA position 1269, G replaced by A.
Protein change: p.Ser423=; no amino-acid change (serine 423 retained).
Molecular consequence: synonymous variant.
Genome position (GRCh38, 1-based): chr16:1,201,719, G>A. VCF-style: chr16-1201719-G-A. GRCh37 (hg19) VCF-style: chr16-1251719-G-A.
Other names: c.1269G>A, p.Ser423= (NM_001005407.2); c.1269G>A (NM_021098.2).
Identifiers: ClinVar variation 1168420 (VCV001168420.13), dbSNP rs368956894, ClinGen allele CA7799896.

ClinVar aggregate classification (germline): Benign/Likely benign. Review status: criteria provided, multiple submitters, no conflicts (2 of 4 stars). 4 submissions from 4 submitters: Benign (1); Likely benign (2). 1 of the submissions does not count toward it. Last evaluated 2025-10-27.

Conditions:
Epilepsy, childhood absence, susceptibility to, 6. Identifiers: Orphanet 64280, MedGen C2749872, MONDO:0012763, OMIM 611942.
Hyperaldosteronism, familial, type IV (HALD4). Also called: FH IV; ALDOSTERONISM, PRIMARY, AND HYPERTENSION. Identifiers: Orphanet 642671, MedGen C4310756, MONDO:0014875, OMIM 617027.
CACNA1H-related disorder.
Idiopathic generalized epilepsy. Also called: EIG; Generalised epilepsy. Identifiers: MedGen C0270850, MONDO:0005579, OMIM 600669.

Allele frequency attached by ClinVar (database versions not stated): gnomAD exomes 0.00002 and 0.00012; TOPMed 0.00009; ExAC 0.00015; 1000 Genomes Project 0.00040; 1000 Genomes Project 30x 0.00047.
gnomAD v4.1: 64 of 1,610,578 alleles (0.004%); highest among the groups gnomAD compares: East Asian, 0.065%; no homozygotes.

Submissions (4):

Labcorp Genetics (formerly Invitae), Labcorp
Classification: Benign for Idiopathic generalized epilepsy; Hyperaldosteronism, familial, type IV. Last evaluated: 2025-10-27. Review status: criteria provided, single submitter. Criteria: Invitae Variant Classification Sherloc (09022015). Collection method: clinical testing. Allele origin: germline.

Blueprint Genetics
Classification: Likely benign. Last evaluated: 2024-07-03. Review status: criteria provided, single submitter. Criteria: ACMG Guidelines, 2015. Collection method: clinical testing. Allele origin: germline.

Fulgent Genetics
Classification: Likely benign for Epilepsy, childhood absence, susceptibility to, 6; Hyperaldosteronism, familial, type IV. Last evaluated: 2021-09-15. Review status: criteria provided, single submitter. Criteria: ACMG Guidelines, 2015. Collection method: clinical testing. Allele origin: unknown.

PreventionGenetics, part of Exact Sciences
Classification: Likely benign for CACNA1H-related condition. Last evaluated: 2019-05-17. Review status: no assertion criteria provided. Collection method: clinical testing. Allele origin: germline. Not counted in ClinVar's aggregate classification.
Comment: This variant is classified as likely benign based on ACMG/AMP sequence variant interpretation guidelines (Richards et al. 2015 PMID: 25741868, with internal and published modifications).